The following is an entry in ClinVar:

ClinVar aggregate classification (germline): Likely benign. Review status: criteria provided, multiple submitters, no conflicts (2 of 4 stars). 2 submissions from 2 submitters: Likely benign (2). Last evaluated 2026-02-04.

Conditions:
Sterile multifocal osteomyelitis with periostitis and pustulosis. Also called: CHRONIC RECURRENT MULTIFOCAL OSTEOMYELITIS 2, WITH PERIOSTITIS AND PUSTULOSIS. Identifiers: Orphanet 210115, MedGen C2748507, MONDO:0013021, OMIM 612852.

Allele frequency attached by ClinVar (database versions not stated): ExAC 0.00001; gnomAD exomes 0.00001 and 0.00002; gnomAD 0.00002; TOPMed 0.00002.
gnomAD v4.1: 35 of 1,613,728 alleles (0.0022%); highest among the groups gnomAD compares: Non-Finnish European, 0.0028%; no homozygotes.

Submissions (2):

Labcorp Genetics (formerly Invitae), Labcorp
Classification: Likely benign for Sterile multifocal osteomyelitis with periostitis and pustulosis. Last evaluated: 2026-02-04. Review status: criteria provided, single submitter. Criteria: Invitae Variant Classification Sherloc (09022015). Collection method: clinical testing. Allele origin: germline.

CeGaT Center for Human Genetics Tuebingen
Classification: Likely benign. Last evaluated: 2022-08-01. Review status: criteria provided, single submitter. Criteria: CeGaT Center For Human Genetics Tuebingen Variant Classification Criteria Version 2. Collection method: clinical testing. Allele origin: germline. Affected: yes. Observed: 1 variant allele.
Comment: IL1RN: BP4, BP7

NM_173842.3(IL1RN):c.261A>G (p.Gly87=)

Gene: IL1RN (interleukin 1 receptor antagonist; plus strand). Cytogenetic location: 2q14.1.
Variant type: single nucleotide variant.
Coding change: c.261A>G on transcript NM_173842.3 (MANE Select); coding-DNA position 261, A replaced by G.
Protein change: p.Gly87=; no amino-acid change (glycine 87 retained).
Molecular consequence: synonymous variant.
Genome position (GRCh38, 1-based): chr2:113,131,100, A>G. VCF-style: chr2-113131100-A-G. GRCh37 (hg19) VCF-style: chr2-113888677-A-G.
Other names: c.207A>G, p.Gly69= (NM_000577.5); c.159A>G, p.Gly53= (NM_001318914.2, NM_001379360.1, NM_173843.3); c.270A>G, p.Gly90= (NM_173841.3).
Identifiers: ClinVar variation 1610702 (VCV001610702.32), dbSNP rs770774243, ClinGen allele CA1838846.
Genomic context (GRCh38, chr2:113,131,100, plus strand): 5'-CCCAGAAAAGATAGATGTGGTACCCATTGAGCCTCATGCTCTGTTCTTGGGAATCCATGG[A>G]GGGAAGATGTGCCTGTCCTGTGTCAAGTCTGGTGATGAGACCAGACTCCAGCTGGAGGTA-3'
Protein context (NP_776214.1, residues 77-97): EPHALFLGIH[Gly87=]GKMCLSCVKS